The following is an entry in ClinVar:

NM_001267550.2(TTN):c.57693G>T (p.Trp19231Cys)

Genes: TTN (titin; minus strand), TTN-AS1 (TTN antisense RNA 1; plus strand). Cytogenetic location: 2q31.2.
Variant type: single nucleotide variant.
Coding change: c.57693G>T on transcript NM_001267550.2 (MANE Select); coding-DNA position 57693, G replaced by T.
Protein change: p.Trp19231Cys; replaces tryptophan 19231 with cysteine.
Molecular consequence: missense variant.
Genome position (GRCh38, 1-based): chr2:178,595,661, C>A on the plus strand (G>T on the coding strand, the complement: TTN is on the minus strand). VCF-style: chr2-178595661-C-A. GRCh37 (hg19) VCF-style: chr2-179460388-C-A.
Other names: c.49989G>T, p.Trp16663Cys (NM_133378.4); c.52770G>T, p.Trp17590Cys (NM_001256850.1); c.30498G>T, p.Trp10166Cys (NM_003319.4); c.30873G>T, p.Trp10291Cys (NM_133432.3); c.31074G>T, p.Trp10358Cys (NM_133437.4); short protein forms W16663C, W19231C, W17590C, W10166C, W10291C, W10358C.
Identifiers: ClinVar variation 229472 (VCV000229472.5), dbSNP rs876658071, ClinGen allele CA10576510.

ClinVar aggregate classification (germline): Uncertain significance (1 of 4 stars; one submission).

Allele frequency attached by ClinVar (database versions not stated): gnomAD exomes below 0.00001.

Submission:

Laboratory for Molecular Medicine, Mass General Brigham Personalized Medicine
Classification: Uncertain significance. Last evaluated: 2014-12-31. Review status: criteria provided, single submitter. Criteria: LMM Criteria. Collection method: clinical testing. Allele origin: germline. Observed: 1 variant allele.
Comment: The p.Trp16663Cys variant in TTN has not been previously reported in individuals with cardiomyopathy or in large population studies. Computational prediction to ols and conservation analysis suggest that this variant may impact the protein, though this information is not predictive enough to determine pathogenicity. In summary, the clinical significance of the p.Trp16663Cys variant is uncertain.